The following is an entry in ClinVar:

NM_001429.4(EP300):c.1540A>G (p.Met514Val)

Gene: EP300 (EP300 lysine acetyltransferase; plus strand). Cytogenetic location: 22q13.2.
Variant type: single nucleotide variant.
Coding change: c.1540A>G on transcript NM_001429.4 (MANE Select); coding-DNA position 1540, A replaced by G.
Protein change: p.Met514Val; replaces methionine 514 with valine.
Molecular consequence: missense variant.
Genome position (GRCh38, 1-based): chr22:41,135,824, A>G. VCF-style: chr22-41135824-A-G. GRCh37 (hg19) VCF-style: chr22-41531828-A-G.
Other names: c.1540A>G, p.Met514Val (NM_001362843.2); short protein forms M514V.
Identifiers: ClinVar variation 341788 (VCV000341788.16), dbSNP rs765266179, ClinGen allele CA10252546.

ClinVar aggregate classification (germline): Conflicting classifications of pathogenicity. Review status: criteria provided, conflicting classifications (1 of 4 stars). 3 submissions from 3 submitters: Uncertain significance (1); Benign (1); Likely benign (1). Last evaluated 2025-09-24.

Conditions:
Rubinstein-Taybi syndrome due to EP300 haploinsufficiency. Also called: EP300-Related Rubinstein-Taybi Syndrome; RUBINSTEIN-TAYBI SYNDROME 2. Identifiers: Orphanet 353284, Orphanet 783, MedGen C3150941, MONDO:0013364, OMIM 613684.
EP300-related disorder. Also called: EP300-related disorders; EP300-related condition.

Allele frequency attached by ClinVar (database versions not stated): gnomAD 0.00006; TOPMed 0.00014.
gnomAD v4.1: 130 of 1,613,100 alleles (0.0081%); highest among the groups gnomAD compares: East Asian, 0.045%; no homozygotes.

Submissions (3):

Labcorp Genetics (formerly Invitae), Labcorp
Classification: Benign for Rubinstein-Taybi syndrome due to EP300 haploinsufficiency. Last evaluated: 2025-09-24. Review status: criteria provided, single submitter. Criteria: Invitae Variant Classification Sherloc (09022015). Collection method: clinical testing. Allele origin: germline.

PreventionGenetics, part of Exact Sciences
Classification: Likely benign for EP300-related condition. Last evaluated: 2025-09-22. Review status: criteria provided, single submitter. Criteria: ACMG Guidelines, 2015. Collection method: clinical testing. Allele origin: germline.
Comment: This variant is classified as likely benign based on ACMG/AMP sequence variant interpretation guidelines (Richards et al. 2015 PMID: 25741868, with internal and published modifications).

Breakthrough Genomics
Classification: Uncertain significance. Review status: criteria provided, single submitter. Criteria: ACMG Guidelines, 2015. Collection method: not provided. Allele origin: germline. Inheritance: Autosomal dominant inheritance. Affected: yes.